The following is an entry in ClinVar:

NM_001035.3(RYR2):c.5226G>C (p.Glu1742Asp)

Gene: RYR2 (ryanodine receptor 2; plus strand). Cytogenetic location: 1q43.
Variant type: single nucleotide variant.
Coding change: c.5226G>C on transcript NM_001035.3 (MANE Select); coding-DNA position 5226, G replaced by C.
Protein change: p.Glu1742Asp; replaces glutamic acid 1742 with aspartic acid.
Molecular consequence: missense variant.
Genome position (GRCh38, 1-based): chr1:237,614,354, G>C. VCF-style: chr1-237614354-G-C. GRCh37 (hg19) VCF-style: chr1-237777654-G-C.
Other names: short protein forms E1742D.
Identifiers: ClinVar variation 3365027 (VCV003365027.4).

ClinVar aggregate classification (germline): Uncertain significance. Review status: criteria provided, multiple submitters, no conflicts (2 of 4 stars). 3 submissions from 3 submitters: Uncertain significance (3). Last evaluated 2024-07-09.

Conditions:
Cardiomyopathy (CMYO). Also called: Cardiomyopathies. Identifiers: Orphanet 167848, MedGen C0878544, MONDO:0004994, HP:0001638. Inheritance: Various modes of inheritance.
Catecholaminergic polymorphic ventricular tachycardia 1. Also called: VENTRICULAR TACHYCARDIA, STRESS-INDUCED POLYMORPHIC 1; VENTRICULAR TACHYCARDIA, CATECHOLAMINERGIC POLYMORPHIC, 1, WITH OR WITHOUT ATRIAL DYSFUNCTION AND/OR DILATED CARDIOMYOPATHY; RYR2-Related Catecholaminergic Polymorphic Ventricular Tachycardia. Identifiers: Orphanet 3286, MedGen C1631597, MONDO:0011484, OMIM 604772.

Submissions (3):

Color Diagnostics, LLC DBA Color Health
Classification: Uncertain significance for Cardiomyopathy. Last evaluated: 2024-07-09. Review status: criteria provided, single submitter. Criteria: ACMG Guidelines, 2015. Collection method: clinical testing. Allele origin: germline.
Comment: This missense variant replaces glutamic acid with aspartic acid at codon 1742 of the RYR2 protein. Computational prediction suggests that this variant may not impact protein structure and function (internally defined REVEL score threshold <= 0.5, PMID: 27666373). To our knowledge, functional studies have not been reported for this variant. This variant has not been reported in individuals affected with RYR2-related disorders in the literature. This variant has not been identified in the general population by the Genome Aggregation Database (gnomAD). The available evidence is insufficient to determine the role of this variant in disease conclusively. Therefore, this variant is classified as a Variant of Uncertain Significance.

Labcorp Genetics (formerly Invitae), Labcorp
Classification: Uncertain significance for Catecholaminergic polymorphic ventricular tachycardia 1. Last evaluated: 2024-04-25. Review status: criteria provided, single submitter. Criteria: Invitae Variant Classification Sherloc (09022015). Collection method: clinical testing. Allele origin: germline.
Comment: This sequence change replaces glutamic acid, which is acidic and polar, with aspartic acid, which is acidic and polar, at codon 1742 of the RYR2 protein (p.Glu1742Asp). This variant is not present in population databases (gnomAD no frequency). This variant has not been reported in the literature in individuals affected with RYR2-related conditions. Advanced modeling of protein sequence and biophysical properties (such as structural, functional, and spatial information, amino acid conservation, physicochemical variation, residue mobility, and thermodynamic stability) performed at Invitae indicates that this missense variant is not expected to disrupt RYR2 protein function with a negative predictive value of 95%. In summary, the available evidence is currently insufficient to determine the role of this variant in disease. Therefore, it has been classified as a Variant of Uncertain Significance.

GeneDx
Classification: Uncertain significance. Last evaluated: 2023-12-01. Review status: criteria provided, single submitter. Criteria: GeneDx Variant Classification Process June 2021. Collection method: clinical testing. Allele origin: germline. Affected: yes.
Comment: Not observed at significant frequency in large population cohorts (gnomAD); In silico analysis supports that this missense variant does not alter protein structure/function; Has not been previously published as pathogenic or benign to our knowledge; Not located in one of the three hot-spot regions of the RYR2 gene, where the majority of pathogenic missense variants occur (PMID: 19926015); This variant is associated with the following publications: (PMID: 19926015)